The following is an entry in ClinVar:

ClinVar aggregate classification (germline): Pathogenic. Review status: criteria provided, single submitter (1 of 4 stars). 2 submissions from 2 submitters: Pathogenic (1). 1 of the submissions does not count toward it. Last evaluated 2023-08-04.

Conditions:
CA5A-related disorder. Also called: CA5A-related condition.
Hyperammonemic encephalopathy due to carbonic anhydrase VA deficiency. Also called: Carbonic anhydrase VA deficiency, hyperammonemia due to; Carbonic Anhydrase VA Deficiency. Identifiers: Orphanet 401948, MedGen C4706871, MONDO:0014332, OMIM 615751.

Allele frequency attached by ClinVar (database versions not stated): ExAC 0.00001; gnomAD exomes 0.00002.
gnomAD v4.1: 27 of 1,578,850 alleles (0.0017%); highest among the groups gnomAD compares: Non-Finnish European, 0.0024%; no homozygotes.

Submissions (2):

Stanford Starfish Project, Stanford University
Classification: Pathogenic for Hyperammonemic encephalopathy due to carbonic anhydrase VA deficiency. Last evaluated: 2023-08-04. Review status: criteria provided, single submitter. Criteria: ACMG Guidelines, 2015. Collection method: provider interpretation. Allele origin: biparental. Inheritance: Autosomal recessive inheritance. Affected: yes. Observed: 1 homozygote.
Comment: This variant is rare in large population databases with an allele frequency of 0.00001710 per the Genome Aggregation Database. Homozygous for CA5A c.475T>C p.(Trp159Arg).

PreventionGenetics, part of Exact Sciences
Classification: Uncertain significance for CA5A-related condition. Last evaluated: 2023-11-29. Review status: no assertion criteria provided. Collection method: clinical testing. Allele origin: germline. Not counted in ClinVar's aggregate classification.
Comment: The CA5A c.475T>C variant is predicted to result in the amino acid substitution p.Trp159Arg. To our knowledge, this variant has not been reported in the literature. This variant is reported in 0.00088% of alleles in individuals of European (non-Finnish) descent in gnomAD. At this time, the clinical significance of this variant is uncertain due to the absence of conclusive functional and genetic evidence.

Literature cited by the submitters: PubMed 41113665 (cited by Stanford Starfish Project, Stanford University).

NM_001739.2(CA5A):c.475T>C (p.Trp159Arg)

Gene: CA5A (carbonic anhydrase 5A; minus strand). Cytogenetic location: 16q24.2.
Variant type: single nucleotide variant.
Coding change: c.475T>C on transcript NM_001739.2 (MANE Select); coding-DNA position 475, T replaced by C.
Protein change: p.Trp159Arg; replaces tryptophan 159 with arginine.
Molecular consequence: missense variant. On other transcripts: non-coding transcript variant (2).
Genome position (GRCh38, 1-based): chr16:87,902,505, A>G on the plus strand (T>C on the coding strand, the complement: CA5A is on the minus strand). VCF-style: chr16-87902505-A-G. GRCh37 (hg19) VCF-style: chr16-87936111-A-G.
Other names: c.475T>C, p.Trp159Arg (NM_001367225.1); short protein forms W159R.
Identifiers: ClinVar variation 2631113 (VCV002631113.4), dbSNP rs753677978, ClinGen allele CA8223454.
Genomic context (GRCh38, chr16:87,902,505, plus strand): 5'-CAGCCAAACCATTCTCTCCCACGACAGCTTCCTTGTAATTTTGGTATTTCACAGAATTCC[A>G]GTGAACTAAATGCAGCTGAAACACAATGGAAAGAGAACTTAAATTGATCAGCAAGAAATA-3'
Protein context (NP_001730.1, residues 149-169): AYPAELHLVH[Trp159Arg]NSVKYQNYKE